The following is an entry in ClinVar:

NM_020778.5(ALPK3):c.4234C>T (p.Arg1412Ter)

Gene: ALPK3 (alpha kinase 3; plus strand). Cytogenetic location: 15q25.3.
Variant type: single nucleotide variant.
Coding change: c.4234C>T on transcript NM_020778.5 (MANE Select); coding-DNA position 4234, C replaced by T.
Protein change: p.Arg1412Ter; replaces arginine 1412 with a stop codon.
Molecular consequence: nonsense.
Genome position (GRCh38, 1-based): chr15:84,862,739, C>T. VCF-style: chr15-84862739-C-T. GRCh37 (hg19) VCF-style: chr15-85405970-C-T.
Other names: short protein forms R1614*, R1412*.
Identifiers: ClinVar variation 636381 (VCV000636381.22), dbSNP rs1431206462, ClinGen allele CA393362848.

ClinVar aggregate classification (germline): Pathogenic/Likely pathogenic. Review status: criteria provided, multiple submitters, no conflicts (2 of 4 stars). 7 submissions from 7 submitters: Pathogenic (4); Likely pathogenic (3). Last evaluated 2025-10-13.

Conditions:
Cardiomyopathy, familial hypertrophic 27. Identifiers: MedGen C4748014, MONDO:0054838, OMIM 618052.
ALPK3-related disorder. Also called: ALPK3-related condition.
Cardiovascular phenotype. Identifiers: MedGen CN230736.
ALPK3-related autosomal dominant hypertrophic cardiomyopathy.

Allele frequency attached by ClinVar (database versions not stated): gnomAD exomes below 0.00001; TOPMed below 0.00001; gnomAD 0.00001.
gnomAD v4.1: 15 of 1,613,952 alleles (0.00093%); highest among the groups gnomAD compares: Admixed American, 0.0017%; no homozygotes.

Submissions (7):

Labcorp Genetics (formerly Invitae), Labcorp
Classification: Pathogenic. Last evaluated: 2025-10-13. Review status: criteria provided, single submitter. Criteria: Invitae Variant Classification Sherloc (09022015). Collection method: clinical testing. Allele origin: germline.
Comment: This sequence change creates a premature translational stop signal (p.Arg1614*) in the ALPK3 gene. It is expected to result in an absent or disrupted protein product. Loss-of-function variants in ALPK3 are known to be pathogenic (PMID: 21441111, 26846950, 27106955, 34263907). This variant is present in population databases (no rsID available, gnomAD 0.005%). This variant has not been reported in the literature in individuals affected with ALPK3-related conditions. ClinVar contains an entry for this variant (Variation ID: 636381). For these reasons, this variant has been classified as Pathogenic.

3billion
Classification: Pathogenic for Cardiomyopathy, familial hypertrophic 27. Last evaluated: 2025-08-08. Review status: criteria provided, single submitter. Criteria: ACMG Guidelines, 2015. Collection method: clinical testing. Allele origin: germline. Affected: yes.
Comment: The variant is observed at an extremely low frequency in the gnomAD v4.1.0 dataset (total allele frequency: <0.001%). Predicted Consequence/Location: Stop-gained (nonsense): predicted to result in a loss or disruption of normal protein function through nonsense-mediated decay (NMD) or protein truncation. Multiple pathogenic variants are reported downstream of the variant. The variant has been reported at least twice as pathogenic with clinical assertions and evidence for the classification (ClinVar ID: VCV000636381 /PMID: 34645221 /3billion dataset). Therefore, this variant is classified as Pathogenic according to the recommendation of ACMG/AMP guideline.

ARUP Laboratories, Molecular Genetics and Genomics, ARUP Laboratories
Classification: Pathogenic for Cardiomyopathy, familial hypertrophic 27. Last evaluated: 2024-11-01. Review status: criteria provided, single submitter. Criteria: ARUP Molecular Germline Variant Investigation Process 2024. Collection method: clinical testing. Allele origin: germline.
Comment: The ALPK3 c.4234C>T; p.Arg1412Ter variant (rs1431206462, ClinVar Variation ID 636381), also known as c.4840C>T; p.R1614Ter for NM_020778.4, is reported in the literature in the heterozygous or compound heterozygous state in individuals affected with hypertrophic cardiomyopathy; individuals with biallelic ALPK3 variants have earlier onset and a more severe phenotype compared to heterozygotes (Ader 2024, Ding 2021, Poleg 2023). This variant is only observed on two alleles in the Genome Aggregation Database (v2.1.1), indicating it is not a common polymorphism. This variant induces an early termination codon and is predicted to result in a truncated protein or mRNA subject to nonsense-mediated decay. Based on available information, this variant is considered to be pathogenic. References: Ader F et al. Prevalence and phenotypes associated with ALPK3 null variants in a large French multicentric cohort: Confirming its involvement in hypertrophic cardiomyopathy. Clin Genet. 2024 Jun;105(6):676-682. PMID: 38356193. Ding WW et al. (ALPK3 gene-related pediatric cardiomyopathy with craniofacial-skeletal features: a report and literature review). Zhonghua Er Ke Za Zhi. 2021 Sep 2;59(9):787-792. Chinese. PMID: 34645221. Poleg T et al. Compound Heterozygosity for Late-Onset Cardiomyopathy-Causative ALPK3 Coding Variant and Novel Intronic Variant Cause Infantile Hypertrophic Cardiomyopathy. J Cardiovasc Transl Res. 2023 Dec;16(6):1325-1331. PMID: 37973666.

Ambry Genetics
Classification: Pathogenic for Cardiovascular phenotype. Last evaluated: 2023-04-18. Review status: criteria provided, single submitter. Criteria: Ambry Variant Classification Scheme 2023. Collection method: clinical testing. Allele origin: germline.
Comment: The p.R1614* pathogenic mutation (also known as c.4840C>T), located in coding exon 10 of the ALPK3 gene, results from a C to T substitution at nucleotide position 4840. This changes the amino acid from an arginine to a stop codon within coding exon 10. This variant has been detected in individuals reported to have apical hypertrophic cardiomyopathy and co-occurred with an ALPK3 frameshift variant in an individual with pediatric-onset cardiomyopathy and craniofacial findings (Ambry internal data; Ding WW et al. Zhonghua Er Ke Za Zhi. 2021 Sep;59(9):787-792). In addition to the clinical data presented in the literature, this alteration is expected to result in loss of function by premature protein truncation or nonsense-mediated mRNA decay. As such, this alteration is interpreted as a disease-causing mutation.

Blueprint Genetics
Classification: Likely pathogenic for ALPK3-related disorders. Last evaluated: 2020-09-22. Review status: criteria provided, single submitter. Criteria: ACMG Guidelines, 2015. Collection method: clinical testing. Allele origin: germline. Affected: yes. Observed: 1 variant allele.

Clinical Genetics Service, Universitary Hospital 12 de Octubre
Classification: Likely pathogenic for ALPK3-related autosomal dominant hypertrophic cardiomyopathy. Review status: criteria provided, single submitter. Criteria: ACMG Guidelines, 2015. Collection method: clinical testing. Allele origin: germline. Affected: yes.

Juno Genomics, Hangzhou Juno Genomics, Inc
Classification: Likely pathogenic for Cardiomyopathy, familial hypertrophic 27. Review status: criteria provided, single submitter. Criteria: ACMG Guidelines, 2015. Collection method: clinical testing. Allele origin: germline.
Comment: Null variant in a gene where loss of function (LOF) is a known mechanism of disease.;Absent from controls (or at extremely low frequency if recessive) in Genome Aggregation Database.

Literature cited by the submitters: PubMed 21441111 (cited by Labcorp Genetics (formerly Invitae), Labcorp); PubMed 26846950 (cited by Labcorp Genetics (formerly Invitae), Labcorp); PubMed 27106955 (cited by Labcorp Genetics (formerly Invitae), Labcorp); PubMed 34263907 (cited by Labcorp Genetics (formerly Invitae), Labcorp); PubMed 34645221 (cited by 3billion and Ambry Genetics).